The following is an entry in ClinVar:

ClinVar aggregate classification (germline): Uncertain significance. Review status: criteria provided, multiple submitters, no conflicts (2 of 4 stars). 2 submissions from 2 submitters: Uncertain significance (2). Last evaluated 2024-12-13.

Allele frequency attached by ClinVar (database versions not stated): gnomAD exomes below 0.00001.
gnomAD v4.1: 1 of 1,606,404 alleles (0.000062%); highest among the groups gnomAD compares: Non-Finnish European, 0.000085%; no homozygotes.

Submissions (2):

GeneDx
Classification: Uncertain significance. Last evaluated: 2024-12-13. Review status: criteria provided, single submitter. Criteria: GeneDx Variant Classification Process June 2021. Collection method: clinical testing. Allele origin: germline. Affected: yes.
Comment: Not observed at significant frequency in large population cohorts (gnomAD); In silico analysis supports that this missense variant has a deleterious effect on protein structure/function; Has not been previously published as pathogenic or benign to our knowledge

Women's Health and Genetics/Laboratory Corporation of America, LabCorp
Classification: Uncertain significance. Last evaluated: 2024-01-03. Review status: criteria provided, single submitter. Criteria: LabCorp Variant Classification Summary - May 2015. Collection method: clinical testing. Allele origin: germline.
Comment: Variant summary: SBF1 c.5443A>G (p.Lys1815Glu) results in a conservative amino acid change located in the Pleckstrin homology domain (IPR001849) of the encoded protein sequence. Three of five in-silico tools predict a benign effect of the variant on protein function. The variant was absent in 249156 control chromosomes. The available data on variant occurrences in the general population are insufficient to allow any conclusion about variant significance. To our knowledge, no occurrence of c.5443A>G in individuals affected with Charcot Marie Tooth Disease Type 4B3 and no experimental evidence demonstrating its impact on protein function have been reported. No submitters have cited clinical-significance assessments for this variant to ClinVar after 2014. Based on the evidence outlined above, the variant was classified as uncertain significance.

NM_002972.4(SBF1):c.5443A>G (p.Lys1815Glu)

Gene: SBF1 (SET binding factor 1; minus strand). Cytogenetic location: 22q13.33.
Variant type: single nucleotide variant.
Coding change: c.5443A>G on transcript NM_002972.4 (MANE Select); coding-DNA position 5443, A replaced by G.
Protein change: p.Lys1815Glu; replaces lysine 1815 with glutamic acid.
Molecular consequence: missense variant.
Genome position (GRCh38, 1-based): chr22:50,447,530, T>C on the plus strand (A>G on the coding strand, the complement: SBF1 is on the minus strand). VCF-style: chr22-50447530-T-C. GRCh37 (hg19) VCF-style: chr22-50885959-T-C.
Other names: c.5368A>G, p.Lys1790Glu (NM_001365819.1); c.5446A>G, p.Lys1816Glu (NM_001410794.1); c.5365A>G, p.Lys1789Glu (NM_001410795.1); c.5443A>G, p.Lys1815Glu (NM_197971.1); c.5443A>G (NM_002972.2); short protein forms K1789E, K1790E, K1815E, K1816E.
Identifiers: ClinVar variation 3063689 (VCV003063689.2), dbSNP rs1556416159, ClinGen allele CA412184790.